The following is an entry in ClinVar:

ClinVar aggregate classification (germline): Likely benign. Review status: criteria provided, multiple submitters, no conflicts (2 of 4 stars). 5 submissions from 5 submitters: Likely benign (4). 1 of the submissions does not count toward it. Last evaluated 2025-10-06.

Conditions:
Familial thoracic aortic aneurysm and aortic dissection (TAAD). Also called: Thoracic aortic aneurysms and dissections. Identifiers: Orphanet 91387, MedGen C4707243, MONDO:0019625.
Aortic aneurysm, familial thoracic 7 (AAT7). Also called: AORTIC DISSECTION, FAMILIAL, WITH OR WITHOUT AORTIC ANEURYSM. Identifiers: MedGen C3151077, MONDO:0013418, OMIM 613780.
Megacystis-microcolon-intestinal hypoperistalsis syndrome 1. Identifiers: MedGen C5542316, MONDO:0100354, OMIM 249210.
MYLK-related disorder. Also called: MYLK-related condition.

Allele frequency attached by ClinVar (database versions not stated): gnomAD exomes 0.00002 and 0.00004; gnomAD 0.00003 and 0.00004; TOPMed 0.00004.
gnomAD v4.1: 62 of 1,614,066 alleles (0.0038%); highest among the groups gnomAD compares: Admixed American, 0.005%; no homozygotes.

Submissions (5):

Labcorp Genetics (formerly Invitae), Labcorp
Classification: Likely benign for Aortic aneurysm, familial thoracic 7. Last evaluated: 2025-10-06. Review status: criteria provided, single submitter. Criteria: Invitae Variant Classification Sherloc (09022015). Collection method: clinical testing. Allele origin: germline.

Ambry Genetics
Classification: Likely benign for Familial thoracic aortic aneurysm and aortic dissection. Last evaluated: 2022-11-19. Review status: criteria provided, single submitter. Criteria: Ambry Variant Classification Scheme 2023. Collection method: clinical testing. Allele origin: germline.

Fulgent Genetics
Classification: Likely benign for Megacystis-microcolon-intestinal hypoperistalsis syndrome 1; Aortic aneurysm, familial thoracic 7. Last evaluated: 2021-08-04. Review status: criteria provided, single submitter. Criteria: ACMG Guidelines, 2015. Collection method: clinical testing. Allele origin: unknown.

CHEO Genetics Diagnostic Laboratory, Children's Hospital of Eastern Ontario
Classification: Likely benign for Familial thoracic aortic aneurysm and aortic dissection. Last evaluated: 2021-05-31. Review status: criteria provided, single submitter. Criteria: ACMG Guidelines, 2015. Collection method: clinical testing. Allele origin: germline.

PreventionGenetics, part of Exact Sciences
Classification: Likely benign for MYLK-related condition. Last evaluated: 2021-12-30. Review status: no assertion criteria provided. Collection method: clinical testing. Allele origin: germline. Not counted in ClinVar's aggregate classification.
Comment: This variant is classified as likely benign based on ACMG/AMP sequence variant interpretation guidelines (Richards et al. 2015 PMID: 25741868, with internal and published modifications).

NM_053025.4(MYLK):c.2652G>A (p.Glu884=)

Gene: MYLK (myosin light chain kinase; minus strand). Cytogenetic location: 3q21.1.
Variant type: single nucleotide variant.
Coding change: c.2652G>A on transcript NM_053025.4 (MANE Select); coding-DNA position 2652, G replaced by A.
Protein change: p.Glu884=; no amino-acid change (glutamic acid 884 retained).
Molecular consequence: synonymous variant.
Genome position (GRCh38, 1-based): chr3:123,700,816, C>T on the plus strand (G>A on the coding strand, the complement: MYLK is on the minus strand). VCF-style: chr3-123700816-C-T. GRCh37 (hg19) VCF-style: chr3-123419663-C-T.
Other names: c.2124G>A, p.Glu708= (NM_001321309.2); c.2445G>A, p.Glu815= (NM_053026.4, NM_053028.4); c.2652G>A, p.Glu884= (NM_053027.4).
Identifiers: ClinVar variation 539093 (VCV000539093.18), dbSNP rs1314650520, ClinGen allele CA435432082.